The following is an entry in ClinVar:

ClinVar aggregate classification (germline): Pathogenic/Likely pathogenic. Review status: criteria provided, multiple submitters, no conflicts (2 of 4 stars). 4 submissions from 4 submitters: Pathogenic (2); Likely pathogenic (1). 1 of the submissions does not count toward it. Last evaluated 2023-03-20.

Conditions:
Tuberous sclerosis 2 (TSC2). Identifiers: Orphanet 805, MedGen C1860707, MONDO:0013199, OMIM 613254.
Tuberous sclerosis syndrome (TSC). Also called: Tuberous Sclerosis Complex; Tuberous sclerosis. Identifiers: Orphanet 805, MedGen C0041341, MONDO:0001734.
Isolated focal cortical dysplasia type II (FCORD2). Also called: CORTICAL DYSPLASIA OF TAYLOR; Focal cortical dysplasia type II. Identifiers: Orphanet 268994, MedGen C1846385, MONDO:0011818, OMIM 607341, HP:0032051.
Lymphangiomyomatosis (LAM). Also called: Lymphangioleiomyomatosis; Lymphangioleiomyomatosis, somatic. Identifiers: Orphanet 538, MedGen C0751674, MONDO:0011705, OMIM 606690.

Submissions (4):

Labcorp Genetics (formerly Invitae), Labcorp
Classification: Pathogenic for Tuberous sclerosis 2. Last evaluated: 2023-03-20. Review status: criteria provided, single submitter. Criteria: Invitae Variant Classification Sherloc (09022015). Collection method: clinical testing. Allele origin: germline.
Comment: For these reasons, this variant has been classified as Pathogenic. ClinVar contains an entry for this variant (Variation ID: 65117). This variant has not been reported in the literature in individuals affected with TSC2-related conditions. This variant is not present in population databases (gnomAD no frequency). This sequence change creates a premature translational stop signal (p.Ser1079*) in the TSC2 gene. It is expected to result in an absent or disrupted protein product. Loss-of-function variants in TSC2 are known to be pathogenic (PMID: 10205261, 17304050).

Fulgent Genetics
Classification: Likely pathogenic for Lymphangiomyomatosis; Isolated focal cortical dysplasia type II; Tuberous sclerosis 2. Last evaluated: 2021-08-16. Review status: criteria provided, single submitter. Criteria: ACMG Guidelines, 2015. Collection method: clinical testing. Allele origin: unknown.

GeneDx
Classification: Pathogenic. Last evaluated: 2014-10-03. Review status: criteria provided, single submitter. Criteria: GeneDx Variant Classification (06012015). Collection method: clinical testing. Allele origin: germline. Affected: yes.
Comment: p.Ser1079Ter (TCG>TAG): c.3236 C>A in exon 28 of the TSC2 gene (NM_000548.3) The S1079X nonsense mutation in the TSC2 gene has been reported previously in association with tuberous sclerosis (Sancak et al., 2005; TSC2 LOVD). This mutation is predicted to cause loss of normal protein function either through protein truncation or nonsense-mediated mRNA decay. The variant is found in TUBSC-EPIV2 panel(s).

Tuberous sclerosis database (TSC2)
No classification provided. Condition: TSC. Review status: no classification provided. Criteria: Tuberous Sclerosis Database Assertion Criteria 2015. Collection method: curation. Allele origin: germline. Affected: yes. Not counted in ClinVar's aggregate classification.

Literature cited by the submitters: PubMed 10205261 (cited by Labcorp Genetics (formerly Invitae), Labcorp); PubMed 17304050 (cited by Labcorp Genetics (formerly Invitae), Labcorp).

NM_000548.5(TSC2):c.3236C>A (p.Ser1079Ter)

Gene: TSC2 (TSC complex subunit 2; plus strand). Cytogenetic location: 16p13.3.
Variant type: single nucleotide variant.
Coding change: c.3236C>A on transcript NM_000548.5 (MANE Select); coding-DNA position 3236, C replaced by A.
Protein change: p.Ser1079Ter; replaces serine 1079 with a stop codon.
Molecular consequence: nonsense.
Genome position (GRCh38, 1-based): chr16:2,079,380, C>A. VCF-style: chr16-2079380-C-A. GRCh37 (hg19) VCF-style: chr16-2129381-C-A.
Other names: p.S1079*:TCG>TAG; c.3104C>A, p.Ser1035Ter (NM_001077183.3, NM_001370404.1); c.3236C>A, p.Ser1079Ter (NM_001114382.3); c.2996C>A, p.Ser999Ter (NM_001318827.2); c.2960C>A, p.Ser987Ter (NM_001318829.2); c.2504C>A, p.Ser835Ter (NM_001318831.2); c.3137C>A, p.Ser1046Ter (NM_001318832.2); c.3107C>A, p.Ser1036Ter (NM_001363528.2, NM_001370405.1, NM_021055.3); short protein forms S1079*, S1035*, S1046*, S987*, S1036*, S835*, S999*.
Identifiers: ClinVar variation 65117 (VCV000065117.9), dbSNP rs397515087, ClinGen allele CA018734.